The following is an entry in ClinVar:

ClinVar aggregate classification (germline): Conflicting classifications of pathogenicity. Review status: criteria provided, conflicting classifications (1 of 4 stars). 2 submissions from 2 submitters: Uncertain significance (1); Likely benign (1). Last evaluated 2026-01-14.

Conditions:
Candidiasis, familial, 9 (CANDF9). Identifiers: Orphanet 1334, MedGen C4225324, MONDO:0014642, OMIM 616445.

Allele frequency attached by ClinVar (database versions not stated): TOPMed 0.00008; ExAC 0.00013; 1000 Genomes Project 30x 0.00016; 1000 Genomes Project 0.00020.

Submissions (2):

Labcorp Genetics (formerly Invitae), Labcorp
Classification: Uncertain significance for Candidiasis, familial, 9. Last evaluated: 2026-01-14. Review status: criteria provided, single submitter. Criteria: Invitae Variant Classification Sherloc (09022015). Collection method: clinical testing. Allele origin: germline.
Comment: This sequence change replaces arginine, which is basic and polar, with tryptophan, which is neutral and slightly polar, at codon 84 of the IL17RC protein (p.Arg84Trp). This variant is present in population databases (rs553003266, gnomAD 0.03%). This variant has not been reported in the literature in individuals affected with IL17RC-related conditions. ClinVar contains an entry for this variant (Variation ID: 1060817). An algorithm developed to predict the effect of missense changes on protein structure and function outputs the following: PolyPhen-2: "Benign". The tryptophan amino acid residue is found in multiple mammalian species, which suggests that this missense change does not adversely affect protein function. In summary, the available evidence is currently insufficient to determine the role of this variant in disease. Therefore, it has been classified as a Variant of Uncertain Significance.

Ambry Genetics
Classification: Likely benign. Last evaluated: 2021-11-08. Review status: criteria provided, single submitter. Criteria: Ambry Variant Classification Scheme 2023. Collection method: clinical testing. Allele origin: germline.

NM_153460.4(IL17RC):c.105+145C>T

Gene: IL17RC (interleukin 17 receptor C; plus strand). Cytogenetic location: 3p25.3.
Variant type: single nucleotide variant.
Coding change: c.105+145C>T on transcript NM_153460.4 (MANE Select); 145 bases into the intron after coding-DNA position 105, C replaced by T.
Molecular consequence: intron variant. On other transcripts: missense variant (1).
Genome position (GRCh38, 1-based): chr3:9,917,565, C>T. VCF-style: chr3-9917565-C-T. GRCh37 (hg19) VCF-style: chr3-9959249-C-T.
Other names: c.250C>T, p.Arg84Trp (NM_153461.4); c.105+145C>T (NM_001203263.2, NM_001203264.2, NM_001367278.1 and 4 more transcripts); c.250C>T (NM_153461.3); short protein forms R84W.
Identifiers: ClinVar variation 1060817 (VCV001060817.7), dbSNP rs553003266, ClinGen allele CA2246682.